The following is an entry in ClinVar:

ClinVar aggregate classification (germline): Uncertain significance. Review status: criteria provided, multiple submitters, no conflicts (2 of 4 stars). 2 submissions from 2 submitters: Uncertain significance (2). Last evaluated 2025-10-28.

Allele frequency attached by ClinVar (database versions not stated): ESP Exome Variant Server 0.00008; TOPMed 0.00010; gnomAD exomes 0.00011; 1000 Genomes Project 0.00040.
gnomAD v4.1: 68 of 1,614,160 alleles (0.0042%); highest among the groups gnomAD compares: Admixed American, 0.11%; no homozygotes.

Submissions (2):

Labcorp Genetics (formerly Invitae), Labcorp
Classification: Uncertain significance. Last evaluated: 2025-10-28. Review status: criteria provided, single submitter. Criteria: Invitae Variant Classification Sherloc (09022015). Collection method: clinical testing. Allele origin: germline.
Comment: This sequence change replaces methionine, which is neutral and non-polar, with leucine, which is neutral and non-polar, at codon 60 of the UQCRB protein (p.Met60Leu). This variant is present in population databases (rs145974195, gnomAD 0.2%), and has an allele count higher than expected for a pathogenic variant. This variant has not been reported in the literature in individuals affected with UQCRB-related conditions. ClinVar contains an entry for this variant (Variation ID: 2051106). An algorithm developed to predict the effect of missense changes on protein structure and function (PolyPhen-2) suggests that this variant is likely to be tolerated. In summary, the available evidence is currently insufficient to determine the role of this variant in disease. Therefore, it has been classified as a Variant of Uncertain Significance.

Ambry Genetics
Classification: Uncertain significance. Last evaluated: 2021-10-19. Review status: criteria provided, single submitter. Criteria: Ambry Variant Classification Scheme 2023. Collection method: clinical testing. Allele origin: germline.

NM_006294.5(UQCRB):c.178A>T (p.Met60Leu)

Gene: UQCRB (ubiquinol-cytochrome c reductase binding protein; minus strand). Cytogenetic location: 8q22.1.
Variant type: single nucleotide variant.
Coding change: c.178A>T on transcript NM_006294.5 (MANE Select); coding-DNA position 178, A replaced by T.
Protein change: p.Met60Leu; replaces methionine 60 with leucine.
Molecular consequence: missense variant. On other transcripts: non-coding transcript variant (1).
Genome position (GRCh38, 1-based): chr8:96,231,854, T>A on the plus strand (A>T on the coding strand, the complement: UQCRB is on the minus strand). VCF-style: chr8-96231854-T-A. GRCh37 (hg19) VCF-style: chr8-97244082-T-A.
Other names: c.82A>T, p.Met28Leu (NM_001199975.3); c.178A>T, p.Met60Leu (NM_001254752.2); short protein forms M60L, M28L.
Identifiers: ClinVar variation 2051106 (VCV002051106.5), dbSNP rs145974195, ClinGen allele CA4815913.